The following is an entry in ClinVar:

ClinVar aggregate classification (germline): Uncertain significance (1 of 4 stars; one submission).

Conditions:
Autosomal dominant limb-girdle muscular dystrophy type 1G (LGMDD3). Also called: Limb-girdle muscular dystrophy, type 1G; MUSCULAR DYSTROPHY, LIMB-GIRDLE, AUTOSOMAL DOMINANT 3. Identifiers: Orphanet 55596, MedGen C1836765, MONDO:0012193, OMIM 609115.

Submission:

Labcorp Genetics (formerly Invitae), Labcorp
Classification: Uncertain significance for Autosomal dominant limb-girdle muscular dystrophy type 1G. Last evaluated: 2025-09-25. Review status: criteria provided, single submitter. Criteria: Invitae Variant Classification Sherloc (09022015). Collection method: clinical testing. Allele origin: germline.
Comment: This sequence change replaces aspartic acid, which is acidic and polar, with tyrosine, which is neutral and polar, at codon 378 of the HNRNPDL protein (p.Asp378Tyr). This variant is not present in population databases (gnomAD no frequency). This variant has not been reported in the literature in individuals affected with HNRNPDL-related conditions. An algorithm developed to predict the effect of missense changes on protein structure and function (PolyPhen-2) suggests that this variant is likely to be disruptive. This variant disrupts the p.Asp378 amino acid residue in HNRNPDL. Other variant(s) that disrupt this residue have been determined to be pathogenic (PMID: 24647604, 30604053). This suggests that this residue is clinically significant, and that variants that disrupt this residue are likely to be disease-causing. In summary, the available evidence is currently insufficient to determine the role of this variant in disease. Therefore, it has been classified as a Variant of Uncertain Significance.

Literature cited by the submitters: PubMed 24647604; PubMed 30604053.

NM_031372.4(HNRNPDL):c.1132G>T (p.Asp378Tyr)

Gene: HNRNPDL (heterogeneous nuclear ribonucleoprotein D like; minus strand). Cytogenetic location: 4q21.22.
Variant type: single nucleotide variant.
Coding change: c.1132G>T on transcript NM_031372.4 (MANE Select); coding-DNA position 1132, G replaced by T.
Protein change: p.Asp378Tyr; replaces aspartic acid 378 with tyrosine.
Molecular consequence: missense variant. On other transcripts: non-coding transcript variant (1), intron variant (1).
Genome position (GRCh38, 1-based): chr4:82,426,523, C>A on the plus strand (G>T on the coding strand, the complement: HNRNPDL is on the minus strand). VCF-style: chr4-82426523-C-A. GRCh37 (hg19) VCF-style: chr4-83347676-C-A.
Other names: c.1022-394G>T (NM_001207000.1); short protein forms D378Y.
Identifiers: ClinVar variation 4724970 (VCV004724970.1).
Genomic context (GRCh38, chr4:82,426,523, plus strand): 5'-CACTGTAGTCTGCATATCCCTGTCCATATCCATAGTTCCCATAGTTATACCCAGTATAAT[C>A]ATATCCGCCATAGCCACTATAGTTTTGATCACCACCATAGGCACTATTGTAATTTCCATA-3'
Protein context (NP_112740.1, residues 368-388): DQNYSGYGGY[Asp378Tyr]YTGYNYGNYG